The following is an entry in ClinVar:

ClinVar aggregate classification (germline): Likely benign (0 of 4 stars; one submission).

Conditions:
SEMA3G-related disorder. Also called: SEMA3G-related condition.

Submission:

PreventionGenetics, part of Exact Sciences
Classification: Likely benign for SEMA3G-related condition. Last evaluated: 2021-07-30. Review status: no assertion criteria provided. Collection method: clinical testing. Allele origin: germline.
Comment: This variant is classified as likely benign based on ACMG/AMP sequence variant interpretation guidelines (Richards et al. 2015 PMID: 25741868, with internal and published modifications).

NM_020163.3(SEMA3G):c.1014C>T (p.Gly338=)

Gene: SEMA3G (semaphorin 3G; minus strand). Cytogenetic location: 3p21.1.
Variant type: single nucleotide variant.
Coding change: c.1014C>T on transcript NM_020163.3 (MANE Select); coding-DNA position 1014, C replaced by T.
Protein change: p.Gly338=; no amino-acid change (glycine 338 retained).
Molecular consequence: synonymous variant.
Genome position (GRCh38, 1-based): chr3:52,440,506, G>A on the plus strand (C>T on the coding strand, the complement: SEMA3G is on the minus strand). VCF-style: chr3-52440506-G-A. GRCh37 (hg19) VCF-style: chr3-52474522-G-A.
Identifiers: ClinVar variation 3356898 (VCV003356898.1).